The following is an entry in ClinVar:

NM_001385012.1(NBEA):c.4553A>C (p.Lys1518Thr)

Gene: NBEA (neurobeachin; plus strand). Cytogenetic location: 13q13.3.
Variant type: single nucleotide variant.
Coding change: c.4553A>C on transcript NM_001385012.1 (MANE Select); coding-DNA position 4553, A replaced by C.
Protein change: p.Lys1518Thr; replaces lysine 1518 with threonine.
Molecular consequence: missense variant.
Genome position (GRCh38, 1-based): chr13:35,173,593, A>C. VCF-style: chr13-35173593-A-C. GRCh37 (hg19) VCF-style: chr13-35747730-A-C.
Other names: c.4544A>C, p.Lys1515Thr (NM_001379245.1); c.4553A>C, p.Lys1518Thr (NM_015678.5); short protein forms K1518T, K1515T.
Identifiers: ClinVar variation 5005247 (VCV005005247.2).

ClinVar aggregate classification (germline): Uncertain significance (1 of 4 stars; one submission).

Conditions:
Neurodevelopmental disorder with or without early-onset generalized epilepsy. Identifiers: MedGen C5436914, MONDO:0030930, OMIM 619157.

Submission:

Juno Genomics, Hangzhou Juno Genomics, Inc
Classification: Uncertain significance for Neurodevelopmental disorder with or without early-onset generalized epilepsy. Review status: criteria provided, single submitter. Criteria: ACMG Guidelines, 2015. Collection method: clinical testing. Allele origin: germline.
Comment: Absent from controls (or at extremely low frequency if recessive) in Genome Aggregation Database.;Missense variant in a gene that has a low rate of benign missense variation.;Multiple lines of computational evidence suggest no impact on gene or gene product.